The following is an entry in ClinVar:

NM_001909.5(CTSD):c.7C>T (p.Pro3Ser)

Genes: CTSD (cathepsin D; minus strand), LOC130005119 (ATAC-STARR-seq lymphoblastoid silent region 3058; plus strand). Cytogenetic location: 11p15.5.
Variant type: single nucleotide variant.
Coding change: c.7C>T on transcript NM_001909.5 (MANE Select); coding-DNA position 7, C replaced by T.
Protein change: p.Pro3Ser; replaces proline 3 with serine.
Molecular consequence: missense variant.
Genome position (GRCh38, 1-based): chr11:1,763,853, G>A on the plus strand (C>T on the coding strand, the complement: CTSD is on the minus strand). VCF-style: chr11-1763853-G-A. GRCh37 (hg19) VCF-style: chr11-1785083-G-A.
Other names: short protein forms P3S.
Identifiers: ClinVar variation 430097 (VCV000430097.2), dbSNP rs952058991, ClinGen allele CA216183717.

ClinVar aggregate classification (germline): Uncertain significance (1 of 4 stars; one submission).

Allele frequency attached by ClinVar (database versions not stated): gnomAD exomes 0.00001; TOPMed 0.00002.
gnomAD v4.1: 9 of 1,524,558 alleles (0.00059%); highest among the groups gnomAD compares: Non-Finnish European, 0.0007%; no homozygotes.

Submission:

GeneDx
Classification: Uncertain significance. Last evaluated: 2017-05-17. Review status: criteria provided, single submitter. Criteria: GeneDx Variant Classification (06012015). Collection method: clinical testing. Allele origin: germline. Affected: yes.
Comment: A variant of uncertain significance has been identified in the CTSD gene. The P3S variant has not been published as a pathogenic variant, nor has it been reported as a benign variant to our knowledge. The P3S variant is not observed in large population cohorts; however, limited data are available (Lek et al., 2016; 1000 Genomes Consortium et al., 2015; Exome Variant Server). The P3S variant is a non-conservative amino acid substitution, which is likely to impact secondary protein structure as these residues differ in polarity, charge, size and/or other properties. However, this substitution occurs at a position that is not conserved and in silico analysis predicts this variant likely does not alter the protein structure/function. Therefore, based on the currently available information, it is unclear whether this variant is a pathogenic variant or a rare benign variant.